The following is an entry in ClinVar:

NM_000081.4(LYST):c.8992C>T (p.His2998Tyr)

Gene: LYST (lysosomal trafficking regulator; minus strand). Cytogenetic location: 1q42.3.
Variant type: single nucleotide variant.
Coding change: c.8992C>T on transcript NM_000081.4 (MANE Select); coding-DNA position 8992, C replaced by T.
Protein change: p.His2998Tyr; replaces histidine 2998 with tyrosine.
Molecular consequence: missense variant.
Genome position (GRCh38, 1-based): chr1:235,730,899, G>A on the plus strand (C>T on the coding strand, the complement: LYST is on the minus strand). VCF-style: chr1-235730899-G-A. GRCh37 (hg19) VCF-style: chr1-235894199-G-A.
Other names: c.8992C>T, p.His2998Tyr (NM_001301365.1); short protein forms H2998Y.
Identifiers: ClinVar variation 1967491 (VCV001967491.3), dbSNP rs2527529310, ClinGen allele CA344949413.

ClinVar aggregate classification (germline): Uncertain significance (1 of 4 stars; one submission).

Conditions:
Chédiak-Higashi syndrome (CHS). Also called: Chediak-Higashi Syndrome. Identifiers: Orphanet 167, MedGen C0007965, MONDO:0008963, OMIM 214500.

Allele frequency attached by ClinVar (database versions not stated): gnomAD exomes below 0.00001.
gnomAD v4.1: 2 of 1,613,804 alleles (0.00012%); highest among the groups gnomAD compares: Admixed American, 0.0017%; no homozygotes.

Submission:

Labcorp Genetics (formerly Invitae), Labcorp
Classification: Uncertain significance for Chédiak-Higashi syndrome. Last evaluated: 2022-11-08. Review status: criteria provided, single submitter. Criteria: Invitae Variant Classification Sherloc (09022015). Collection method: clinical testing. Allele origin: germline.
Comment: In summary, the available evidence is currently insufficient to determine the role of this variant in disease. Therefore, it has been classified as a Variant of Uncertain Significance. Advanced modeling of protein sequence and biophysical properties (such as structural, functional, and spatial information, amino acid conservation, physicochemical variation, residue mobility, and thermodynamic stability) performed at Invitae indicates that this missense variant is not expected to disrupt LYST protein function. This variant has not been reported in the literature in individuals affected with LYST-related conditions. This variant is not present in population databases (gnomAD no frequency). This sequence change replaces histidine, which is basic and polar, with tyrosine, which is neutral and polar, at codon 2998 of the LYST protein (p.His2998Tyr).